The following is an entry in ClinVar:

NM_172362.3(KCNH1):c.125T>C (p.Ile42Thr)

Gene: KCNH1 (potassium voltage-gated channel subfamily H member 1; minus strand). Cytogenetic location: 1q32.2.
Variant type: single nucleotide variant.
Coding change: c.125T>C on transcript NM_172362.3 (MANE Select); coding-DNA position 125, T replaced by C.
Protein change: p.Ile42Thr; replaces isoleucine 42 with threonine.
Molecular consequence: missense variant.
Genome position (GRCh38, 1-based): chr1:211,107,332, A>G on the plus strand (T>C on the coding strand, the complement: KCNH1 is on the minus strand). VCF-style: chr1-211107332-A-G. GRCh37 (hg19) VCF-style: chr1-211280674-A-G.
Other names: c.125T>C, p.Ile42Thr (NM_002238.4); short protein forms I42T.
Identifiers: ClinVar variation 4752933 (VCV004752933.1).

ClinVar aggregate classification (germline): Uncertain significance (1 of 4 stars; one submission).

gnomAD v4.1: 1 of 1,613,668 alleles (0.000062%); highest among the groups gnomAD compares: African/African-American, 0.0013%; no homozygotes.

Submission:

Labcorp Genetics (formerly Invitae), Labcorp
Classification: Uncertain significance. Last evaluated: 2025-09-23. Review status: criteria provided, single submitter. Criteria: Invitae Variant Classification Sherloc (09022015). Collection method: clinical testing. Allele origin: germline.
Comment: This sequence change replaces isoleucine, which is neutral and non-polar, with threonine, which is neutral and polar, at codon 42 of the KCNH1 protein (p.Ile42Thr). This variant is present in population databases (rs772076205, gnomAD 0.007%). This variant has not been reported in the literature in individuals affected with KCNH1-related conditions. Invitae Evidence Modeling of protein sequence and biophysical properties (such as structural, functional, and spatial information, amino acid conservation, physicochemical variation, residue mobility, and thermodynamic stability) has been performed for this missense variant. However, the output from this modeling did not meet the statistical confidence thresholds required to predict the impact of this variant on KCNH1 protein function. In summary, the available evidence is currently insufficient to determine the role of this variant in disease. Therefore, it has been classified as a Variant of Uncertain Significance.